The following is an entry in ClinVar:

ClinVar aggregate classification (germline): Uncertain significance (1 of 4 stars; one submission).

Conditions:
LAMA2-related muscular dystrophy (LAMA2-RD). Also called: Laminin alpha 2-related dystrophy. Identifiers: MedGen C5679788, MONDO:0100228.

Submission:

Labcorp Genetics (formerly Invitae), Labcorp
Classification: Uncertain significance for LAMA2-related muscular dystrophy. Last evaluated: 2022-04-13. Review status: criteria provided, single submitter. Criteria: Invitae Variant Classification Sherloc (09022015). Collection method: clinical testing. Allele origin: germline.
Comment: This variant has not been reported in the literature in individuals affected with LAMA2-related conditions. In summary, the available evidence is currently insufficient to determine the role of this variant in disease. Therefore, it has been classified as a Variant of Uncertain Significance. Algorithms developed to predict the effect of sequence changes on RNA splicing suggest that this variant is not likely to affect RNA splicing. This variant is not present in population databases (gnomAD no frequency). This sequence change affects codon 1745 of the LAMA2 mRNA. It is a 'silent' change, meaning that it does not change the encoded amino acid sequence of the LAMA2 protein. It affects a nucleotide within the consensus splice site.

NM_000426.4(LAMA2):c.5235A>G (p.Val1745=)

Gene: LAMA2 (laminin subunit alpha 2; plus strand). Cytogenetic location: 6q22.33.
Variant type: single nucleotide variant.
Coding change: c.5235A>G on transcript NM_000426.4 (MANE Select); coding-DNA position 5235, A replaced by G.
Protein change: p.Val1745=; no amino-acid change (valine 1745 retained).
Molecular consequence: synonymous variant.
Genome position (GRCh38, 1-based): chr6:129,393,045, A>G. VCF-style: chr6-129393045-A-G. GRCh37 (hg19) VCF-style: chr6-129714190-A-G.
Other names: c.5235A>G, p.Val1745= (NM_001079823.2).
Identifiers: ClinVar variation 2121854 (VCV002121854.4), dbSNP rs2482736299, ClinGen allele CA451923947.